The following is an entry in ClinVar:

ClinVar aggregate classification (germline): Uncertain significance. Review status: criteria provided, multiple submitters, no conflicts (2 of 4 stars). 2 submissions from 2 submitters: Uncertain significance (2). Last evaluated 2025-05-18.

Conditions:
Cardiovascular phenotype. Identifiers: MedGen CN230736.
Dilated cardiomyopathy 1DD (CMD1DD). Identifiers: Orphanet 154, MedGen C2750995, MONDO:0013168, OMIM 613172.

Allele frequency attached by ClinVar (database versions not stated): gnomAD exomes below 0.00001; gnomAD 0.00001; TOPMed 0.00001.
gnomAD v4.1: 3 of 1,551,590 alleles (0.00019%); highest among the groups gnomAD compares: Admixed American, 0.002%; no homozygotes.

Submissions (2):

Labcorp Genetics (formerly Invitae), Labcorp
Classification: Uncertain significance for Dilated cardiomyopathy 1DD. Last evaluated: 2025-05-18. Review status: criteria provided, single submitter. Criteria: Invitae Variant Classification Sherloc (09022015). Collection method: clinical testing. Allele origin: germline.
Comment: This sequence change replaces leucine, which is neutral and non-polar, with proline, which is neutral and non-polar, at codon 408 of the RBM20 protein (p.Leu408Pro). This variant is not present in population databases (gnomAD no frequency). This variant has not been reported in the literature in individuals affected with RBM20-related conditions. ClinVar contains an entry for this variant (Variation ID: 2143223). Invitae Evidence Modeling of protein sequence and biophysical properties (such as structural, functional, and spatial information, amino acid conservation, physicochemical variation, residue mobility, and thermodynamic stability) indicates that this missense variant is not expected to disrupt RBM20 protein function with a negative predictive value of 95%. In summary, the available evidence is currently insufficient to determine the role of this variant in disease. Therefore, it has been classified as a Variant of Uncertain Significance.

Ambry Genetics
Classification: Uncertain significance for Cardiovascular phenotype. Last evaluated: 2024-03-07. Review status: criteria provided, single submitter. Criteria: Ambry Variant Classification Scheme 2023. Collection method: clinical testing. Allele origin: germline.
Comment: The p.L408P variant (also known as c.1223T>C), located in coding exon 2 of the RBM20 gene, results from a T to C substitution at nucleotide position 1223. The leucine at codon 408 is replaced by proline, an amino acid with similar properties. This amino acid position is conserved. In addition, the in silico prediction for this alteration is inconclusive. Based on the available evidence, the clinical significance of this alteration remains unclear.

NM_001134363.3(RBM20):c.1223T>C (p.Leu408Pro)

Gene: RBM20 (RNA binding motif protein 20; plus strand). Cytogenetic location: 10q25.2.
Variant type: single nucleotide variant.
Coding change: c.1223T>C on transcript NM_001134363.3 (MANE Select); coding-DNA position 1223, T replaced by C.
Protein change: p.Leu408Pro; replaces leucine 408 with proline.
Molecular consequence: missense variant.
Genome position (GRCh38, 1-based): chr10:110,781,832, T>C. VCF-style: chr10-110781832-T-C. GRCh37 (hg19) VCF-style: chr10-112541590-T-C.
Other names: short protein forms L408P.
Identifiers: ClinVar variation 2143223 (VCV002143223.3), dbSNP rs981575386, ClinGen allele CA213235163.